The following is an entry in ClinVar:

NM_004048.4(B2M):c.355A>G (p.Met119Val)

Gene: B2M (beta-2-microglobulin; plus strand). Cytogenetic location: 15q21.1.
Variant type: single nucleotide variant.
Coding change: c.355A>G on transcript NM_004048.4 (MANE Select); coding-DNA position 355, A replaced by G.
Protein change: p.Met119Val; replaces methionine 119 with valine.
Molecular consequence: missense variant.
Genome position (GRCh38, 1-based): chr15:44,716,337, A>G. VCF-style: chr15-44716337-A-G. GRCh37 (hg19) VCF-style: chr15-45008535-A-G.
Other names: short protein forms M119V.
Identifiers: ClinVar variation 2007357 (VCV002007357.4), dbSNP rs147708131, ClinGen allele CA392234002.

ClinVar aggregate classification (germline): Uncertain significance (1 of 4 stars; one submission).

Conditions:
Hypoproteinemia, hypercatabolic (IMD43). Also called: IMMUNODEFICIENCY 43; BETA-2-MICROGLOBULIN DEFICIENCY; B2M DEFICIENCY; MHC CLASS I DEFICIENCY 4. Identifiers: MedGen C1855796, MONDO:0009434, OMIM 241600.

Allele frequency attached by ClinVar (database versions not stated): gnomAD exomes below 0.00001; gnomAD 0.00001.

Submission:

Labcorp Genetics (formerly Invitae), Labcorp
Classification: Uncertain significance for Hypoproteinemia, hypercatabolic. Last evaluated: 2022-06-16. Review status: criteria provided, single submitter. Criteria: Invitae Variant Classification Sherloc (09022015). Collection method: clinical testing. Allele origin: germline.
Comment: In summary, the available evidence is currently insufficient to determine the role of this variant in disease. Therefore, it has been classified as a Variant of Uncertain Significance. Algorithms developed to predict the effect of missense changes on protein structure and function are either unavailable or do not agree on the potential impact of this missense change (SIFT: "Not Available"; PolyPhen-2: "Benign"; Align-GVGD: "Class C55"). This variant has not been reported in the literature in individuals affected with B2M-related conditions. This variant is present in population databases (no rsID available, gnomAD no frequency). This sequence change replaces methionine, which is neutral and non-polar, with valine, which is neutral and non-polar, at codon 119 of the B2M protein (p.Met119Val).